The following is an entry in ClinVar:

ClinVar aggregate classification (germline): Likely benign. Review status: criteria provided, multiple submitters, no conflicts (2 of 4 stars). 4 submissions from 4 submitters: Likely benign (4). Last evaluated 2025-05-30.

Conditions:
Catecholaminergic polymorphic ventricular tachycardia (CVPT). Also called: Catecholamine-induced polymorphic ventricular tachycardia. Identifiers: Orphanet 3286, MedGen C5574922, MONDO:0017990.
Cardiomyopathy (CMYO). Also called: Cardiomyopathies. Identifiers: Orphanet 167848, MedGen C0878544, MONDO:0004994, HP:0001638. Inheritance: Various modes of inheritance.
Catecholaminergic polymorphic ventricular tachycardia 1. Also called: VENTRICULAR TACHYCARDIA, CATECHOLAMINERGIC POLYMORPHIC, 1, WITH OR WITHOUT ATRIAL DYSFUNCTION AND/OR DILATED CARDIOMYOPATHY; VENTRICULAR TACHYCARDIA, STRESS-INDUCED POLYMORPHIC 1; RYR2-Related Catecholaminergic Polymorphic Ventricular Tachycardia. Identifiers: Orphanet 3286, MedGen C1631597, MONDO:0011484, OMIM 604772.
Cardiovascular phenotype. Identifiers: MedGen CN230736.

Allele frequency attached by ClinVar (database versions not stated): gnomAD exomes 0.00001 and 0.00002; ExAC 0.00003.
gnomAD v4.1: 11 of 1,613,092 alleles (0.00068%); highest among the groups gnomAD compares: South Asian, 0.0088%; no homozygotes.

Submissions (4):

Ambry Genetics
Classification: Likely benign for Cardiovascular phenotype. Last evaluated: 2025-05-30. Review status: criteria provided, single submitter. Criteria: Ambry Variant Classification Scheme 2023. Collection method: clinical testing. Allele origin: germline.

Labcorp Genetics (formerly Invitae), Labcorp
Classification: Likely benign for Catecholaminergic polymorphic ventricular tachycardia 1. Last evaluated: 2025-05-27. Review status: criteria provided, single submitter. Criteria: Invitae Variant Classification Sherloc (09022015). Collection method: clinical testing. Allele origin: germline.

All of Us Research Program, National Institutes of Health
Classification: Likely benign for Catecholaminergic polymorphic ventricular tachycardia. Last evaluated: 2023-12-01. Review status: criteria provided, single submitter. Criteria: ACMG Guidelines, 2015. Collection method: clinical testing. Allele origin: germline. Inheritance: Autosomal dominant inheritance. Observed: 1 variant allele, 1 heterozygote.
Comment: This study involves interpretation of variants in research participants for the purpose of population health screening. Participant phenotype was not available at the time of variant classification. Additional details can be found in publication PMID: 35346344, PMCID: PMC8962531

Color Diagnostics, LLC DBA Color Health
Classification: Likely benign for Cardiomyopathy. Last evaluated: 2018-12-21. Review status: criteria provided, single submitter. Criteria: ACMG Guidelines, 2015. Collection method: clinical testing. Allele origin: germline.

NM_001035.3(RYR2):c.1464C>T (p.Leu488=)

Gene: RYR2 (ryanodine receptor 2; plus strand). Cytogenetic location: 1q43.
Variant type: single nucleotide variant.
Coding change: c.1464C>T on transcript NM_001035.3 (MANE Select); coding-DNA position 1464, C replaced by T.
Protein change: p.Leu488=; no amino-acid change (leucine 488 retained).
Molecular consequence: synonymous variant.
Genome position (GRCh38, 1-based): chr1:237,454,562, C>T. VCF-style: chr1-237454562-C-T. GRCh37 (hg19) VCF-style: chr1-237617862-C-T.
Other names: c.1464C>T (NM_001035.2).
Identifiers: ClinVar variation 928342 (VCV000928342.13), dbSNP rs755432808, ClinGen allele CA085690.